The following is an entry in ClinVar:

ClinVar aggregate classification (germline): Pathogenic (1 of 4 stars; one submission).

Conditions:
Neurofibromatosis, type 1 (NF1). Also called: Neurofibromatosis, type I; NEUROFIBROMATOSIS, TYPE I, SOMATIC; Peripheral type neurofibromatosis; VON RECKLINGHAUSEN DISEASE. Identifiers: Orphanet 636, MedGen C0027831, MONDO:0018975, OMIM 162200. Disease mechanism: loss of function.

Submission:

Labcorp Genetics (formerly Invitae), Labcorp
Classification: Pathogenic for Neurofibromatosis, type 1. Last evaluated: 2023-06-18. Review status: criteria provided, single submitter. Criteria: Invitae Variant Classification Sherloc (09022015). Collection method: clinical testing. Allele origin: germline.
Comment: This sequence change creates a premature translational stop signal (p.Tyr1762*) in the NF1 gene. It is expected to result in an absent or disrupted protein product. Loss-of-function variants in NF1 are known to be pathogenic (PMID: 10712197, 23913538). This variant is not present in population databases (gnomAD no frequency). This premature translational stop signal has been observed in individual(s) with clinical features of neurofibromatosis type I (PMID: 10712197). For these reasons, this variant has been classified as Pathogenic.

Literature cited by the submitters: PubMed 10712197; PubMed 23913538.

NM_001042492.3(NF1):c.5349T>A (p.Tyr1783Ter)

Gene: NF1 (neurofibromin 1; plus strand). Cytogenetic location: 17q11.2.
Variant type: single nucleotide variant.
Coding change: c.5349T>A on transcript NM_001042492.3 (MANE Select); coding-DNA position 5349, T replaced by A.
Protein change: p.Tyr1783Ter; replaces tyrosine 1783 with a stop codon.
Molecular consequence: nonsense.
Genome position (GRCh38, 1-based): chr17:31,327,579, T>A. VCF-style: chr17-31327579-T-A. GRCh37 (hg19) VCF-style: chr17-29654597-T-A.
Other names: c.5286T>A, p.Tyr1762Ter (NM_000267.4); short protein forms Y1762*, Y1783*.
Identifiers: ClinVar variation 2718749 (VCV002718749.3), dbSNP rs2151541056, ClinGen allele CA399009237.
Genomic context (GRCh38, chr17:31,327,579, plus strand): 5'-AGTAACTTCAGCAGAGCGAACAAAAGTCCTAGGGCAATCAGTCTTTCTAAATGACATTTA[T>A]TATGCTTCGGAAATTGAAGAAATCTGCCTAGTAGATGAGAACCAGTTCACCTTAACCATT-3'